The following is an entry in ClinVar:

ClinVar aggregate classification (germline): Benign. Review status: criteria provided, multiple submitters, no conflicts (2 of 4 stars). 3 submissions from 3 submitters: Benign (3). Last evaluated 2026-01-28.

Conditions:
POP1-related disorder. Also called: POP1-related condition.

Allele frequency attached by ClinVar (database versions not stated): ESP Exome Variant Server 0.02776; 1000 Genomes Project 30x 0.03326; 1000 Genomes Project 0.03375.
gnomAD v4.1: 13,227 of 1,614,182 alleles (0.82%); highest among the groups gnomAD compares: African/African-American, 8.4%; 437 homozygotes.

Submissions (3):

Labcorp Genetics (formerly Invitae), Labcorp
Classification: Benign. Last evaluated: 2026-01-28. Review status: criteria provided, single submitter. Criteria: Invitae Variant Classification Sherloc (09022015). Collection method: clinical testing. Allele origin: germline.

PreventionGenetics, part of Exact Sciences
Classification: Benign for POP1-related condition. Last evaluated: 2025-12-13. Review status: criteria provided, single submitter. Criteria: ACMG Guidelines, 2015. Collection method: clinical testing. Allele origin: germline.
Comment: This variant is classified as benign based on ACMG/AMP sequence variant interpretation guidelines (Richards et al. 2015 PMID: 25741868, with internal and published modifications).

Breakthrough Genomics
Classification: Benign. Review status: criteria provided, single submitter. Criteria: ACMG Guidelines, 2015. Collection method: not provided. Allele origin: germline. Inheritance: Autosomal recessive inheritance. Affected: yes.

NM_001145860.2(POP1):c.2499C>T (p.Pro833=)

Gene: POP1 (POP1 ribonuclease P/MRP subunit; plus strand). Cytogenetic location: 8q22.2.
Variant type: single nucleotide variant.
Coding change: c.2499C>T on transcript NM_001145860.2 (MANE Select); coding-DNA position 2499, C replaced by T.
Protein change: p.Pro833=; no amino-acid change (proline 833 retained).
Molecular consequence: synonymous variant.
Genome position (GRCh38, 1-based): chr8:98,157,695, C>T. VCF-style: chr8-98157695-C-T. GRCh37 (hg19) VCF-style: chr8-99169923-C-T.
Other names: c.2499C>T (NM_015029.2); c.2499C>T, p.Pro833= (NM_001145861.2, NM_015029.3).
Identifiers: ClinVar variation 1599550 (VCV001599550.9), dbSNP rs111665863, ClinGen allele CA4820859.